The following is an entry in ClinVar:

ClinVar aggregate classification (germline): Uncertain significance. Review status: criteria provided, multiple submitters, no conflicts (2 of 4 stars). 2 submissions from 2 submitters: Uncertain significance (2). Last evaluated 2025-04-22.

Conditions:
Genitopatellar syndrome (GTPTS). Also called: Genitopatellar syndrome (GPS); ABSENT PATELLAE, SCROTAL HYPOPLASIA, RENAL ANOMALIES, FACIAL DYSMORPHISM, AND MENTAL RETARDATION. Identifiers: Orphanet 85201, MedGen C1853566, MONDO:0011640, OMIM 606170.

Allele frequency attached by ClinVar (database versions not stated): gnomAD exomes below 0.00001; TOPMed below 0.00001.
gnomAD v4.1: 2 of 1,614,218 alleles (0.00012%); highest among the groups gnomAD compares: Non-Finnish European, 0.00017%; no homozygotes.

Submissions (2):

Labcorp Genetics (formerly Invitae), Labcorp
Classification: Uncertain significance for Genitopatellar syndrome. Last evaluated: 2025-04-22. Review status: criteria provided, single submitter. Criteria: Invitae Variant Classification Sherloc (09022015). Collection method: clinical testing. Allele origin: germline.
Comment: This sequence change replaces glutamine, which is neutral and polar, with arginine, which is basic and polar, at codon 485 of the KAT6B protein (p.Gln485Arg). This variant is not present in population databases (gnomAD no frequency). This variant has not been reported in the literature in individuals affected with KAT6B-related conditions. ClinVar contains an entry for this variant (Variation ID: 432719). An algorithm developed to predict the effect of missense changes on protein structure and function (PolyPhen-2) suggests that this variant is likely to be tolerated. In summary, the available evidence is currently insufficient to determine the role of this variant in disease. Therefore, it has been classified as a Variant of Uncertain Significance.

GeneDx
Classification: Uncertain significance. Last evaluated: 2017-06-12. Review status: criteria provided, single submitter. Criteria: GeneDx Variant Classification (06012015). Collection method: clinical testing. Allele origin: germline. Affected: yes.
Comment: The Q485R variant has not been published as a pathogenic variant, nor has it been reported as a benign variant to our knowledge. The variant is not observed in large population cohorts (Lek et al., 2016; 1000 Genomes Consortium et al., 2015; Exome Variant Server). Q485R is a semi-conservative amino acid substitution, which may impact secondary protein structure as these residues differ in some properties. This substitution occurs at a position that is conserved in mammals; however, in silico analysis is inconsistent in its predictions as to whether or not the variant is damaging to the protein structure/function. In summary, based on the currently available information, it is unclear whether this variant is a pathogenic variant or a rare benign variant.

NM_012330.4(KAT6B):c.1454A>G (p.Gln485Arg)

Gene: KAT6B (lysine acetyltransferase 6B; plus strand). Cytogenetic location: 10q22.2.
Variant type: single nucleotide variant.
Coding change: c.1454A>G on transcript NM_012330.4 (MANE Select); coding-DNA position 1454, A replaced by G.
Protein change: p.Gln485Arg; replaces glutamine 485 with arginine.
Molecular consequence: missense variant. On other transcripts: intron variant (13).
Genome position (GRCh38, 1-based): chr10:74,975,791, A>G. VCF-style: chr10-74975791-A-G. GRCh37 (hg19) VCF-style: chr10-76735549-A-G.
Other names: c.1454A>G, p.Gln485Arg (NM_001370136.1, NM_001370137.1); c.1117+337A>G (NM_001370139.1, NM_001370140.1, NM_001370141.1 and 3 more transcripts); c.1444+10A>G (NM_001370138.1, NM_001256468.2); c.846+6016A>G (NM_001370133.1); c.193-3433A>G (NM_001370134.1); c.929-1525A>G (NM_001370143.1, NM_001370144.1); c.193-13228A>G (NM_001370135.1); short protein forms Q485R.
Identifiers: ClinVar variation 432719 (VCV000432719.3), dbSNP rs751774930, ClinGen allele CA209703201.